The following is an entry in ClinVar:

NM_005609.4(PYGM):c.98A>G (p.Asn33Ser)

Gene: PYGM (glycogen phosphorylase, muscle associated; minus strand). Cytogenetic location: 11q13.1.
Variant type: single nucleotide variant.
Coding change: c.98A>G on transcript NM_005609.4 (MANE Select); coding-DNA position 98, A replaced by G.
Protein change: p.Asn33Ser; replaces asparagine 33 with serine.
Molecular consequence: missense variant.
Genome position (GRCh38, 1-based): chr11:64,759,801, T>C on the plus strand (A>G on the coding strand, the complement: PYGM is on the minus strand). VCF-style: chr11-64759801-T-C. GRCh37 (hg19) VCF-style: chr11-64527273-T-C.
Other names: c.98A>G, p.Asn33Ser (NM_001164716.1); short protein forms N33S.
Identifiers: ClinVar variation 305285 (VCV000305285.6), dbSNP rs886048463, ClinGen allele CA10638975.

ClinVar aggregate classification (germline): Uncertain significance. Review status: criteria provided, multiple submitters, no conflicts (2 of 4 stars). 2 submissions from 2 submitters: Uncertain significance (2). Last evaluated 2022-03-29.

Conditions:
Glycogen storage disease, type V (GSD5). Also called: MCARDLE DISEASE; MUSCLE GLYCOGEN PHOSPHORYLASE DEFICIENCY; MYOPHOSPHORYLASE DEFICIENCY; PYGM DEFICIENCY; McArdle type glycogen storage disease. Identifiers: Orphanet 368, MedGen C0017924, MONDO:0009293, OMIM 232600.

Allele frequency attached by ClinVar (database versions not stated): gnomAD exomes below 0.00001 and 0.00001; gnomAD 0.00001; TOPMed 0.00001.
gnomAD v4.1: 7 of 1,613,914 alleles (0.00043%); highest among the groups gnomAD compares: Admixed American, 0.0017%; no homozygotes.

Submissions (2):

Labcorp Genetics (formerly Invitae), Labcorp
Classification: Uncertain significance for Glycogen storage disease, type V. Last evaluated: 2022-03-29. Review status: criteria provided, single submitter. Criteria: Invitae Variant Classification Sherloc (09022015). Collection method: clinical testing. Allele origin: germline.
Comment: This sequence change replaces asparagine, which is neutral and polar, with serine, which is neutral and polar, at codon 33 of the PYGM protein (p.Asn33Ser). This variant is present in population databases (no rsID available, gnomAD 0.0009%). This variant has not been reported in the literature in individuals affected with PYGM-related conditions. ClinVar contains an entry for this variant (Variation ID: 305285). Algorithms developed to predict the effect of missense changes on protein structure and function are either unavailable or do not agree on the potential impact of this missense change (SIFT: "Not Available"; PolyPhen-2: "Probably Damaging"; Align-GVGD: "Not Available"). In summary, the available evidence is currently insufficient to determine the role of this variant in disease. Therefore, it has been classified as a Variant of Uncertain Significance.

Illumina Laboratory Services, Illumina
Classification: Uncertain significance for Glycogen storage disease, type V. Last evaluated: 2018-01-13. Review status: criteria provided, single submitter. Criteria: ICSL Variant Classification Criteria 13 December 2019. Collection method: clinical testing. Allele origin: germline.